The following is an entry in ClinVar:

NM_000342.4(SLC4A1):c.877-1G>A

Gene: SLC4A1 (solute carrier family 4 member 1 (Diego blood group); minus strand). Cytogenetic location: 17q21.31.
Variant type: single nucleotide variant.
Coding change: c.877-1G>A on transcript NM_000342.4 (MANE Select); the canonical splice acceptor site of the intron before coding-DNA position 877, G replaced by A.
Molecular consequence: splice acceptor variant.
Genome position (GRCh38, 1-based): chr17:44,258,624, C>T on the plus strand (G>A on the coding strand, the complement: SLC4A1 is on the minus strand). VCF-style: chr17-44258624-C-T. GRCh37 (hg19) VCF-style: chr17-42335992-C-T.
Identifiers: ClinVar variation 4685961 (VCV004685961.1).

ClinVar aggregate classification (germline): Likely pathogenic (1 of 4 stars; one submission).

Submission:

ARUP Laboratories, Molecular Genetics and Genomics, ARUP Laboratories
Classification: Likely pathogenic. Last evaluated: 2025-07-16. Review status: criteria provided, single submitter. Criteria: ARUP Molecular Germline Variant Investigation Process 2024. Collection method: clinical testing. Allele origin: germline.
Comment: The SLC4A1 c.877-1G>A variant, to our knowledge, is not reported in the medical literature or gene specific databases. This variant is also absent from the Genome Aggregation Database (v2.1.1), indicating it is not a common polymorphism. This variant disrupts the canonical splice acceptor site of intron 9, which is likely to negatively impact gene function. Based on available information, this variant is considered to be likely pathogenic.